The following is an entry in ClinVar:

ClinVar aggregate classification (germline): Uncertain significance (1 of 4 stars; one submission).

Submission:

GeneDx
Classification: Uncertain significance. Last evaluated: 2025-07-21. Review status: criteria provided, single submitter. Criteria: GeneDx Variant Classification Process June 2021. Collection method: clinical testing. Allele origin: germline. Affected: yes.
Comment: Not observed at significant frequency in large population cohorts (gnomAD); In silico analysis supports that this missense variant has a deleterious effect on protein structure/function; Has not been previously published as pathogenic or benign to our knowledge

NM_001394372.1(BICRA):c.830C>T (p.Ser277Leu)

Gene: BICRA (BRD4 interacting chromatin remodeling complex associated protein; plus strand). Cytogenetic location: 19q13.33.
Variant type: single nucleotide variant.
Coding change: c.830C>T on transcript NM_001394372.1 (MANE Select); coding-DNA position 830, C replaced by T.
Protein change: p.Ser277Leu; replaces serine 277 with leucine.
Molecular consequence: missense variant.
Genome position (GRCh38, 1-based): chr19:47,680,000, C>T. VCF-style: chr19-47680000-C-T. GRCh37 (hg19) VCF-style: chr19-48183257-C-T.
Other names: c.830C>T, p.Ser277Leu (NM_015711.3); short protein forms S277L.
Identifiers: ClinVar variation 4686758 (VCV004686758.1).
Genomic context (GRCh38, chr19:47,680,000, plus strand): 5'-TGCCCGTCAGCGGCTACCTGGCCTCGGCGGCTGGCCCCTCGGAGCCCGTGACGCTGGCGT[C>T]GGCCGGTGTCTCGCCACAGGGGGCTGGCCTGGTCATCCAGAAGAACCTCTCGGCCGCTGT-3'
Protein context (NP_001381301.1, residues 267-287): AGPSEPVTLA[Ser277Leu]AGVSPQGAGL